The following is an entry in ClinVar:

NM_017514.5(PLXNA3):c.563G>C (p.Ser188Thr)

Gene: PLXNA3 (plexin A3; plus strand). Cytogenetic location: Xq28.
Variant type: single nucleotide variant.
Coding change: c.563G>C on transcript NM_017514.5 (MANE Select); coding-DNA position 563, G replaced by C.
Protein change: p.Ser188Thr; replaces serine 188 with threonine.
Molecular consequence: missense variant.
Genome position (GRCh38, 1-based): chrX:154,460,746, G>C. VCF-style: chrX-154460746-G-C. GRCh37 (hg19) VCF-style: chrX-153689086-G-C.
Other names: short protein forms S188T.
Identifiers: ClinVar variation 4999393 (VCV004999393.1).

ClinVar aggregate classification (germline): Uncertain significance (1 of 4 stars; one submission).

Conditions:
PLXNA3-related disorder. Also called: PLXNA3-related condition.

Submission:

PreventionGenetics, part of Exact Sciences
Classification: Uncertain significance for PLXNA3-related condition. Last evaluated: 2026-04-29. Review status: criteria provided, single submitter. Criteria: ACMG Guidelines, 2015. Collection method: clinical testing. Allele origin: germline.
Comment: The PLXNA3 c.563G>C variant is predicted to result in the amino acid substitution p.Ser188Thr. To our knowledge, this variant has not been reported in the literature or in a large population database (gnomAD), indicating this variant is rare. At this time, the clinical significance of this variant is uncertain due to the absence of conclusive functional and genetic evidence.